The following is an entry in ClinVar:

ClinVar aggregate classification (germline): Uncertain significance. Review status: reviewed by expert panel (3 of 4 stars). 3 submissions from 3 submitters: Uncertain significance (1). 2 of the submissions do not count toward it. Last evaluated 2026-06-09.

Conditions:
Galactosemia. Also called: Galactose intolerance. Identifiers: Orphanet 352, MedGen C0016952, MONDO:0018116, HP:0004919. Disease mechanism: loss of function.
Deficiency of UDPglucose-hexose-1-phosphate uridylyltransferase. Also called: Transferase Deficiency Galactosemia; GALACTOSE-1-PHOSPHATE URIDYLYLTRANSFERASE DEFICIENCY; GALACTOSEMIA I; GALT deficiency; Galactosemia, classic. Identifiers: Orphanet 352, Orphanet 79239, MedGen C0268151, MONDO:0009258, OMIM 230400.

gnomAD v4.1: 2 of 1,614,116 alleles (0.00012%); highest among the groups gnomAD compares: Middle Eastern, 0.033%; no homozygotes.

Submissions (3):

Clingen Galactosemia Variant Curation Expert Panel, ClinGen
Classification: Uncertain significance for Galactosemia. Last evaluated: 2026-06-09. Review status: reviewed by expert panel. Criteria: ClinGen Galactosemia ACMG Specifications GALT V1.1. Collection method: curation. Allele origin: germline. Inheritance: Autosomal recessive inheritance.
Comment: The c.241G>A variant in GALT is a missense variant predicted to cause substitution of alanine by threonine at amino acid 81 (p.Ala81Thr). The filtering allele frequency (the upper threshold of the 95% CI of 2/1614116) of the c.241G>A variant in GALT is 0.000058 for Middle Eastern chromosomes by gnomAD v4.1.0, which is lower than the ClinGen Galactosemia threshold (≤ 0.0005) for PM2_Supporting, and therefore meets this criterion (PM2_Supporting). The computational predictor REVEL gives a score of 0.852, which is equal to or above the threshold of 0.7, evidence that correlates with impact to GALT function (PP3). In summary, this variant meets the criteria to be classified as uncertain significance for galactosemia based on the ACMG/AMP criteria applied, as specified by the ClinGen Galactosemia VCEP: (PM2_Supporting, PP3, 05/18/2026).

Labcorp Genetics (formerly Invitae), Labcorp
Classification: Likely pathogenic for Deficiency of UDPglucose-hexose-1-phosphate uridylyltransferase. Last evaluated: 2023-12-25. Review status: criteria provided, single submitter. Criteria: Invitae Variant Classification Sherloc (09022015). Collection method: clinical testing. Allele origin: germline. Not counted in ClinVar's aggregate classification.
Comment: This sequence change replaces alanine, which is neutral and non-polar, with threonine, which is neutral and polar, at codon 81 of the GALT protein (p.Ala81Thr). This variant is not present in population databases (gnomAD no frequency). This missense change has been observed in individual(s) with clinical features of galactosemia and/or galactose-1-phosphate uridylyltransferase deficiency (PMID: 1427861; Invitae). ClinVar contains an entry for this variant (Variation ID: 25141). Advanced modeling of protein sequence and biophysical properties (such as structural, functional, and spatial information, amino acid conservation, physicochemical variation, residue mobility, and thermodynamic stability) performed at Invitae indicates that this missense variant is expected to disrupt GALT protein function with a positive predictive value of 80%. This variant disrupts the p.Ala81 amino acid residue in GALT. Other variant(s) that disrupt this residue have been determined to be pathogenic (PMID: 31194895). This suggests that this residue is clinically significant, and that variants that disrupt this residue are likely to be disease-causing. In summary, the currently available evidence indicates that the variant is pathogenic, but additional data are needed to prove that conclusively. Therefore, this variant has been classified as Likely Pathogenic.

Eurofins Ntd Llc (ga)
Classification: Uncertain significance. Last evaluated: 2015-09-18. Review status: criteria provided, single submitter. Criteria: EGL Classification Definitions 2015. Collection method: clinical testing. Allele origin: germline. Observed: 2 variant alleles, 2 homozygotes. Not counted in ClinVar's aggregate classification.

Literature cited by the submitters: PubMed 1427861 (cited by Labcorp Genetics (formerly Invitae), Labcorp); PubMed 31194895 (cited by Labcorp Genetics (formerly Invitae), Labcorp).

NM_000155.4(GALT):c.241G>A (p.Ala81Thr)

Genes: GALT (galactose-1-phosphate uridylyltransferase; plus strand), LOC130001683 (ATAC-STARR-seq lymphoblastoid active region 28314; plus strand). Cytogenetic location: 9p13.3.
Variant type: single nucleotide variant.
Coding change: c.241G>A on transcript NM_000155.4 (MANE Select); coding-DNA position 241, G replaced by A.
Protein change: p.Ala81Thr; replaces alanine 81 with threonine.
Molecular consequence: missense variant. On other transcripts: synonymous variant (1).
Genome position (GRCh38, 1-based): chr9:34,647,247, G>A. VCF-style: chr9-34647247-G-A. GRCh37 (hg19) VCF-style: chr9-34647244-G-A.
Other names: NM_000155.4(GALT):c.241G>A; c.39G>A, p.Glu13= (NM_001258332.2).
Identifiers: ClinVar variation 25141 (VCV000025141.14), dbSNP rs111033665, ClinGen allele CA259345.